The following is an entry in ClinVar:

ClinVar aggregate classification (germline): Uncertain significance. Review status: criteria provided, multiple submitters, no conflicts (2 of 4 stars). 2 submissions from 2 submitters: Uncertain significance (2). Last evaluated 2024-01-11.

Conditions:
Episodic ataxia type 2 (EA2). Also called: ATAXIA, EPISODIC, WITH NYSTAGMUS; ATAXIA, FAMILIAL PAROXYSMAL; CEREBELLAR ATAXIA, PAROXYSMAL, ACETAZOLAMIDE-RESPONSIVE; CEREBELLOPATHY, HEREDITARY PAROXYSMAL; EPISODIC ATAXIA, NYSTAGMUS-ASSOCIATED; ACETAZOLAMIDE-RESPONSIVE HEREDITARY PAROXYSMAL CEREBELLAR ATAXIA. Identifiers: Orphanet 97, MedGen C1720416, MONDO:0007163, OMIM 108500.
Developmental and epileptic encephalopathy, 42 (DEE42A). Also called: Epileptic encephalopathy, early infantile, 42; DEVELOPMENTAL AND EPILEPTIC ENCEPHALOPATHY 42A; EPILEPTIC ENCEPHALOPATHY, EARLY INFANTILE, 42A. Identifiers: MedGen C4310716, MONDO:0014917, OMIM 617106.

Allele frequency attached by ClinVar (database versions not stated): gnomAD exomes below 0.00001.
gnomAD v4.1: 1 of 1,470,480 alleles (0.000068%); highest among the groups gnomAD compares: Admixed American, 0.002%; no homozygotes.

Submissions (2):

Labcorp Genetics (formerly Invitae), Labcorp
Classification: Uncertain significance for Developmental and epileptic encephalopathy, 42; Episodic ataxia type 2. Last evaluated: 2024-01-11. Review status: criteria provided, single submitter. Criteria: Invitae Variant Classification Sherloc (09022015). Collection method: clinical testing. Allele origin: germline.
Comment: This sequence change replaces histidine, which is basic and polar, with arginine, which is basic and polar, at codon 2215 of the CACNA1A protein (p.His2215Arg). This variant is not present in population databases (gnomAD no frequency). This variant has not been reported in the literature in individuals affected with CACNA1A-related conditions. ClinVar contains an entry for this variant (Variation ID: 808463). Advanced modeling of protein sequence and biophysical properties (such as structural, functional, and spatial information, amino acid conservation, physicochemical variation, residue mobility, and thermodynamic stability) performed at Invitae indicates that this missense variant is not expected to disrupt CACNA1A protein function with a negative predictive value of 95%. In summary, the available evidence is currently insufficient to determine the role of this variant in disease. Therefore, it has been classified as a Variant of Uncertain Significance.

CeGaT Center for Human Genetics Tuebingen
Classification: Uncertain significance. Last evaluated: 2019-07-01. Review status: criteria provided, single submitter. Criteria: CeGaT Center For Human Genetics Tuebingen Variant Classification Criteria Version 2. Collection method: clinical testing. Allele origin: germline. Affected: yes. Observed: 3 variant alleles.

NM_001127222.2(CACNA1A):c.6641A>G (p.His2214Arg)

Gene: CACNA1A (calcium voltage-gated channel subunit alpha1 A; minus strand). Cytogenetic location: 19p13.13.
Variant type: single nucleotide variant.
Coding change: c.6641A>G on transcript NM_001127222.2 (MANE Select); coding-DNA position 6641, A replaced by G.
Protein change: p.His2214Arg; replaces histidine 2214 with arginine.
Molecular consequence: missense variant.
Genome position (GRCh38, 1-based): chr19:13,208,895, T>C on the plus strand (A>G on the coding strand, the complement: CACNA1A is on the minus strand). VCF-style: chr19-13208895-T-C. GRCh37 (hg19) VCF-style: chr19-13319709-T-C.
Other names: c.6659A>G, p.His2220Arg (NM_000068.4, NM_023035.3); c.6644A>G, p.His2215Arg (NM_001127221.2); c.6650A>G, p.His2217Arg (NM_001174080.2); short protein forms H2220R, H2215R, H2214R, H2217R.
Identifiers: ClinVar variation 808463 (VCV000808463.45), dbSNP rs1600079735, ClinGen allele CA404330466.